The following is an entry in ClinVar:

NM_000132.4(F8):c.6959T>G (p.Leu2320Ter)

Gene: F8 (coagulation factor VIII; minus strand). Cytogenetic location: Xq28.
Variant type: single nucleotide variant.
Coding change: c.6959T>G on transcript NM_000132.4 (MANE Select); coding-DNA position 6959, T replaced by G.
Protein change: p.Leu2320Ter; replaces leucine 2320 with a stop codon.
Molecular consequence: nonsense.
Genome position (GRCh38, 1-based): chrX:154,837,694, A>C on the plus strand (T>G on the coding strand, the complement: F8 is on the minus strand). VCF-style: chrX-154837694-A-C. GRCh37 (hg19) VCF-style: chrX-154065969-A-C.
Other names: c.554T>G, p.Leu185Ter (NM_019863.3); short protein forms L185*, L2320*.
Identifiers: ClinVar variation 1330667 (VCV001330667.7), dbSNP rs2148555597, ClinGen allele CA414897339.

ClinVar aggregate classification (germline): Likely pathogenic (1 of 4 stars; one submission).

Conditions:
Hereditary factor VIII deficiency disease (HEMA). Also called: HEMOPHILIA, CLASSIC; AUTOSOMAL HEMOPHILIA A; Hemophilia A; Hemophilia A, congenital; HEM A; Factor 8 deficiency, congenital. Identifiers: Orphanet 98878, MedGen C0019069, MONDO:0010602, OMIM 306700.

Submission:

ARUP Laboratories, Molecular Genetics and Genomics, ARUP Laboratories
Classification: Likely pathogenic for Hereditary factor VIII deficiency disease. Last evaluated: 2021-07-09. Review status: criteria provided, single submitter. Criteria: ARUP Molecular Germline Variant Investigation Process 2021. Collection method: clinical testing. Allele origin: germline.
Comment: The F8 c.6959T>G; p.Leu2320Ter variant, to our knowledge, is not reported in the medical literature or gene specific databases. This variant is also absent from the Genome Aggregation Database, indicating it is not a common polymorphism. This variant results in a premature termination codon in the last exon of the F8 gene. While this may not lead to nonsense-mediated decay, it is expected to create a truncated protein by removing the last 31 amino acids. Additionally, several downstream truncating variants have been described in individuals with hemophilia A and are considered pathogenic (Citron 2002, Gitschier 1985, Green 2008). Based on available information, this variant is considered to be likely pathogenic. References: Citron M et al. High throughput mutation screening of the factor VIII gene (F8C) in hemophilia A: 37 novel mutations and genotype-phenotype correlation. Hum Mutat. 2002 Oct;20(4):267-74. PMID: 12325022. Gitschier J et al. Detection and sequence of mutations in the factor VIII gene of haemophiliacs. Nature. 1985 May 30-Jun 5;315(6018):427-30. PMID: 2987704. Green PM et al. Haemophilia A mutations in the UK: results of screening one-third of the population. Br J Haematol. 2008 Oct;143(1):115-28. PMID: 18691168.